The following is an entry in ClinVar:

Conditions:
Arteriohepatic dysplasia. Also called: Alagille Syndrome. Identifiers: Orphanet 52, MedGen C0085280, MeSH D016738, MONDO:0007318.

Submission:

Gilbert/Spinner Lab, Children's Hospital of Philadelphia
No classification provided (evidence only). Condition: Alagille syndrome. Review status: no classification provided. Collection method: research. Allele origin: not applicable. Functional consequence: functionally_abnormal.
ClinVar note: "not provided" was previously submitted as the classification for the variant. However, the classification appeared to be based only on an observation of functional data so it was converted to no classification on 2025-07-30.

NM_000214.3(JAG1):c.965G>C (p.Cys322Ser)

Gene: JAG1 (jagged canonical Notch ligand 1; minus strand). Cytogenetic location: 20p12.2.
Variant type: single nucleotide variant.
Coding change: c.965G>C on transcript NM_000214.3 (MANE Select); coding-DNA position 965, G replaced by C.
Protein change: p.Cys322Ser; replaces cysteine 322 with serine.
Molecular consequence: missense variant.
Genome position (GRCh38, 1-based): chr20:10,652,172, C>G on the plus strand (G>C on the coding strand, the complement: JAG1 is on the minus strand). VCF-style: chr20-10652172-C-G. GRCh37 (hg19) VCF-style: chr20-10632820-C-G.
Other names: short protein forms C322S.
Identifiers: ClinVar variation 3573199 (VCV003573199.2).
Genomic context (GRCh38, chr20:10,652,172, plus strand): 5'-TTCATCTTGGACCACTTACCAATTTCACAGTTGGGTCCTGAATACCCCTCAGGGCAGGAA[C>G]ACTGATATTTGTCAGGGCCTGTGTTGCTACAAGTTCCCCCGTTGAGACACGGCTGATGAG-3'
Protein context (NP_000205.1, residues 312-332): CSNTGPDKYQ[Cys322Ser]SCPEGYSGPN